The following is an entry in ClinVar:

ClinVar aggregate classification (germline): Conflicting classifications of pathogenicity. Review status: criteria provided, conflicting classifications (1 of 4 stars). 2 submissions from 2 submitters: Uncertain significance (1); Likely benign (1). Last evaluated 2025-05-12.

Conditions:
Rhabdoid tumor predisposition syndrome 2 (RTPS2). Identifiers: Orphanet 231108, Orphanet 69077, MedGen C2750074, MONDO:0013224, OMIM 613325.
Hereditary cancer-predisposing syndrome. Also called: Neoplastic Syndromes, Hereditary; Tumor predisposition; Hereditary neoplastic syndrome; Hereditary Cancer Syndrome. Identifiers: Orphanet 140162, MedGen C0027672, MeSH D009386, MONDO:0015356.

Allele frequency attached by ClinVar (database versions not stated): gnomAD exomes below 0.00001.
gnomAD v4.1: 3 of 1,613,448 alleles (0.00019%); highest among the groups gnomAD compares: Non-Finnish European, 0.00025%; no homozygotes.

Submissions (2):

Ambry Genetics
Classification: Likely benign for Hereditary cancer-predisposing syndrome. Last evaluated: 2025-05-12. Review status: criteria provided, single submitter. Criteria: Ambry Variant Classification Scheme 2023. Collection method: clinical testing. Allele origin: germline.

Labcorp Genetics (formerly Invitae), Labcorp
Classification: Uncertain significance for Rhabdoid tumor predisposition syndrome 2. Last evaluated: 2024-05-11. Review status: criteria provided, single submitter. Criteria: Invitae Variant Classification Sherloc (09022015). Collection method: clinical testing. Allele origin: germline.
Comment: This sequence change replaces glycine, which is neutral and non-polar, with alanine, which is neutral and non-polar, at codon 15 of the SMARCA4 protein (p.Gly15Ala). This variant is not present in population databases (gnomAD no frequency). This variant has not been reported in the literature in individuals affected with SMARCA4-related conditions. ClinVar contains an entry for this variant (Variation ID: 824949). Advanced modeling of protein sequence and biophysical properties (such as structural, functional, and spatial information, amino acid conservation, physicochemical variation, residue mobility, and thermodynamic stability) performed at Invitae indicates that this missense variant is not expected to disrupt SMARCA4 protein function with a negative predictive value of 95%. In summary, the available evidence is currently insufficient to determine the role of this variant in disease. Therefore, it has been classified as a Variant of Uncertain Significance.

NM_003072.5(SMARCA4):c.44G>C (p.Gly15Ala)

Gene: SMARCA4 (SWI/SNF related BAF chromatin remodeling complex subunit ATPase 4; plus strand). Cytogenetic location: 19p13.2.
Variant type: single nucleotide variant.
Coding change: c.44G>C on transcript NM_003072.5 (MANE Select); coding-DNA position 44, G replaced by C.
Protein change: p.Gly15Ala; replaces glycine 15 with alanine.
Molecular consequence: missense variant. On other transcripts: non-coding transcript variant (1).
Genome position (GRCh38, 1-based): chr19:10,984,195, G>C. VCF-style: chr19-10984195-G-C. GRCh37 (hg19) VCF-style: chr19-11094871-G-C.
Other names: c.44G>C, p.Gly15Ala (NM_001128844.3, NM_001128845.2, NM_001128846.2 and 4 more transcripts); short protein forms G15A.
Identifiers: ClinVar variation 824949 (VCV000824949.9), dbSNP rs1060502077, ClinGen allele CA404053967.